The following is an entry in ClinVar:

NC_000017.10:g.(?_73758775)_(73761239_?)del

Gene: GALK1 (galactokinase 1; minus strand). Cytogenetic location: 17q25.1.
Variant type: Deletion.
Identifiers: ClinVar variation 2422483 (VCV002422483.5).

ClinVar aggregate classification (germline): Pathogenic (1 of 4 stars; one submission).

Conditions:
Deficiency of galactokinase. Also called: Galactokinase deficiency with cataracts; GALACTOSEMIA II. Identifiers: Orphanet 352, Orphanet 79237, MedGen C0268155, MONDO:0009255, OMIM 230200.

Submission:

Labcorp Genetics (formerly Invitae), Labcorp
Classification: Pathogenic for Deficiency of galactokinase. Last evaluated: 2022-10-23. Review status: criteria provided, single submitter. Criteria: Invitae Variant Classification Sherloc (09022015). Collection method: clinical testing. Allele origin: germline.
Comment: This variant is a gross deletion of the genomic region encompassing exon(s) 1-5 of the GALK1 gene, which includes the initiator codon. This deletion extends beyond the assayed region for this gene and therefore may encompass additional genes. It is expected to result in an absent or disrupted protein product. Loss-of-function variants in GALK1 are known to be pathogenic (PMID: 7670469, 10790206). This variant has not been reported in the literature in individuals affected with GALK1-related conditions. For these reasons, this variant has been classified as Pathogenic.

Literature cited by the submitters: PubMed 7670469; PubMed 10790206.